The following is an entry in ClinVar:

ClinVar aggregate classification (germline): Conflicting classifications of pathogenicity. Review status: criteria provided, conflicting classifications (1 of 4 stars). 13 submissions from 12 submitters: Uncertain significance (1); Benign (2); Likely benign (8). 2 of the submissions do not count toward it. Last evaluated 2026-08-01.

Conditions:
Connective tissue disorder. Also called: Connective tissue disease. Identifiers: MedGen C0009782, MONDO:0003900.
Fibrochondrogenesis 2 (FBCG2). Identifiers: Orphanet 2021, MedGen C3281128, MONDO:0013795, OMIM 614524.
Otospondylomegaepiphyseal dysplasia, autosomal recessive (OSMEDB). Also called: CHONDRODYSTROPHY WITH SENSORINEURAL DEAFNESS; Insley-Astley syndrome. Identifiers: Orphanet 1427, MedGen CN034493, MONDO:0044206, OMIM 215150.
Autosomal recessive nonsyndromic hearing loss 53. Identifiers: Orphanet 90636, MedGen C1864746, MONDO:0012333, OMIM 609706.

Allele frequency attached by ClinVar (database versions not stated): ESP Exome Variant Server 0.00095; gnomAD 0.00103 and 0.00106; 1000 Genomes Project 0.00120; TOPMed 0.00123; gnomAD exomes 0.00124 and 0.00191; 1000 Genomes Project 30x 0.00125; ExAC 0.00211.
gnomAD v4.1: 2,021 of 1,612,916 alleles (0.13%); highest among the groups gnomAD compares: South Asian, 0.61%; 14 homozygotes.

Submissions (13):

CeGaT Center for Human Genetics Tuebingen
Classification: Likely benign. Last evaluated: 2026-08-01. Review status: criteria provided, single submitter. Criteria: CeGaT Center For Human Genetics Tuebingen Variant Classification Criteria Version 2. Collection method: clinical testing. Allele origin: germline. Affected: yes. Observed: 9 variant alleles.
Comment: COL11A2: BP4, BS2

Labcorp Genetics (formerly Invitae), Labcorp
Classification: Benign. Last evaluated: 2026-01-27. Review status: criteria provided, single submitter. Criteria: Invitae Variant Classification Sherloc (09022015). Collection method: clinical testing. Allele origin: germline.

Blueprint Genetics
Classification: Likely benign. Last evaluated: 2024-11-25. Review status: criteria provided, single submitter. Criteria: ACMG Guidelines, 2015. Collection method: clinical testing. Allele origin: germline.

Center of Genomic medicine, Geneva, University Hospital of Geneva
Classification: Uncertain significance for Autosomal recessive nonsyndromic hearing loss 53. Last evaluated: 2018-08-06. Review status: criteria provided, single submitter. Criteria: ACMG Guidelines, 2015. Collection method: clinical testing. Allele origin: maternal. Affected: yes. Observed: 1 variant allele.

Center for Human Genetics, Inc
Classification: Likely benign for Connective tissue disorder. Last evaluated: 2018-06-01. Review status: criteria provided, single submitter. Criteria: ACMG Guidelines, 2015. Collection method: clinical testing. Allele origin: germline. Affected: yes.

Illumina Laboratory Services, Illumina
Classification: Likely benign for Fibrochondrogenesis 2. Last evaluated: 2018-01-13. Review status: criteria provided, single submitter. Criteria: ICSL Variant Classification Criteria 13 December 2019. Collection method: clinical testing. Allele origin: germline.
Comment: This variant was observed in the ICSL laboratory as part of a predisposition screen in an ostensibly healthy population. It had not been previously curated by ICSL or reported in the Human Gene Mutation Database (HGMD: prior to June 1st, 2018), and was therefore a candidate for classification through an automated scoring system. Utilizing variant allele frequency, disease prevalence and penetrance estimates, and inheritance mode, an automated score was calculated to assess if this variant is too frequent to cause the disease. Based on the score and internal cut-off values, a variant classified as likely benign is not then subjected to further curation. The score for this variant resulted in a classification of likely benign for this disease.

Illumina Laboratory Services, Illumina
Classification: Likely benign for Otospondylomegaepiphyseal dysplasia, autosomal recessive. Last evaluated: 2018-01-13. Review status: criteria provided, single submitter. Criteria: ICSL Variant Classification Criteria 13 December 2019. Collection method: clinical testing. Allele origin: germline.
Comment: the same text as in the submission from Illumina Laboratory Services, Illumina above.

GeneDx
Classification: Benign. Last evaluated: 2017-11-03. Review status: criteria provided, single submitter. Criteria: GeneDx Variant Classification (06012015). Collection method: clinical testing. Allele origin: germline. Affected: yes.
Comment: This variant is considered likely benign or benign based on one or more of the following criteria: it is a conservative change, it occurs at a poorly conserved position in the protein, it is predicted to be benign by multiple in silico algorithms, and/or has population frequency not consistent with disease.

Center for Pediatric Genomic Medicine, Children's Mercy Hospital and Clinics
Classification: Likely benign. Last evaluated: 2017-01-24. Review status: criteria provided, single submitter. Criteria: ACMG Guidelines, 2015. Collection method: clinical testing. Allele origin: germline.
ClinVar note: Converted during submission from Likely Benign to Likely benign.

Eurofins Ntd Llc (ga)
Classification: Likely benign. Last evaluated: 2015-03-18. Review status: criteria provided, single submitter. Criteria: EGL Classification Definitions 2015. Collection method: clinical testing. Allele origin: germline. Observed: 2 variant alleles, 2 heterozygotes.

Laboratory for Molecular Medicine, Mass General Brigham Personalized Medicine
Classification: Likely benign. Last evaluated: 2015-01-23. Review status: criteria provided, single submitter. Criteria: LMM Criteria. Collection method: clinical testing. Allele origin: germline. Observed: 7 variant alleles.
Comment: p.Arg1667His in exon 65 of COL11A2: This variant is not expected to have clinica l significance because it has been identified in 0.18% (111/62708) of European c hromosomes by the Exome Aggregation Consortium (ExAC .org; dbSNP rs146555195). In addition, it has been seen by our laboratory in two individuals with hearing loss, neither of whom carried a clinically significant COL11A2 variant on the other allele and both of whom had an alternate genetic e xplanation for their hearing loss.

Clinical Genetics DNA and cytogenetics Diagnostics Lab, Erasmus MC, Erasmus Medical Center
Classification: Likely benign. Review status: no assertion criteria provided. Collection method: clinical testing. Allele origin: germline. Affected: yes. Study: VKGL Data-share Consensus. Not counted in ClinVar's aggregate classification.

Laboratory of Diagnostic Genome Analysis, Leiden University Medical Center (LUMC)
Classification: Likely benign. Review status: no assertion criteria provided. Collection method: clinical testing. Allele origin: germline. Affected: yes. Study: VKGL Data-share Consensus. Not counted in ClinVar's aggregate classification.

Literature cited by the submitters: PubMed 25633957 (cited by Center of Genomic medicine, Geneva, University Hospital of Geneva).

NM_080680.3(COL11A2):c.5000G>A (p.Arg1667His)

Gene: COL11A2 (collagen type XI alpha 2 chain; minus strand). Cytogenetic location: 6p21.32.
Variant type: single nucleotide variant.
Coding change: c.5000G>A on transcript NM_080680.3 (MANE Select); coding-DNA position 5000, G replaced by A.
Protein change: p.Arg1667His; replaces arginine 1667 with histidine.
Molecular consequence: missense variant.
Genome position (GRCh38, 1-based): chr6:33,164,337, C>T on the plus strand (G>A on the coding strand, the complement: COL11A2 is on the minus strand). VCF-style: chr6-33164337-C-T. GRCh37 (hg19) VCF-style: chr6-33132114-C-T.
Other names: c.4679G>A, p.Arg1560His (NM_080679.3); c.4742G>A, p.Arg1581His (NM_080681.3); short protein forms R1667H, R1581H, R1560H.
Identifiers: ClinVar variation 178321 (VCV000178321.64), dbSNP rs146555195, ClinGen allele CA182105.
Genomic context (GRCh38, chr6:33,164,337, plus strand): 5'-TCTCTGAATTCTTTGACATAGGGGCTAGTCTCCGGGCTCAGCTCATCCTCATTGGCCCCA[C>T]GGAGTCTCAGGGGACCGTCACGGGCTGCTCCAGAGCAGGGGTAGGAGACGTCCTGGTGGG-3'
Protein context (NP_542411.2, residues 1657-1677): GAARDGPLRL[Arg1667His]GANEDELSPE